The following is an entry in ClinVar:

NM_001165963.4(SCN1A):c.5495_5496insT (p.Ala1833fs)

Genes: SCN1A (sodium voltage-gated channel alpha subunit 1; minus strand), LOC102724058 (uncharacterized LOC102724058; plus strand). Cytogenetic location: 2q24.3.
Variant type: Insertion.
Coding change: c.5495_5496insT on transcript NM_001165963.4 (MANE Select); coding-DNA positions 5495 to 5496, T inserted.
Protein change: p.Ala1833fs; shifts the reading frame from alanine 1833.
Molecular consequence: frameshift variant. On other transcripts: non-coding transcript variant (1).
Genome position: GRCh38 VCF-style: chr2-165991779-T-TA. GRCh37 (hg19) VCF-style: chr2-166848289-T-TA.
Other names: c.5411_5412insT, p.Ala1805fs (NM_001165964.3, NM_001353957.2, NM_001353958.2); c.5495_5496insT, p.Ala1833fs (NM_001202435.3, NM_001353948.2); c.5462_5463insT, p.Ala1822fs (NM_001353949.2, NM_001353950.2, NM_001353951.2 and 2 more transcripts); c.5459_5460insT, p.Ala1821fs (NM_001353954.2, NM_001353955.2); c.5408_5409insT, p.Ala1804fs (NM_001353960.2); c.3053_3054insT, p.Ala1019fs (NM_001353961.2); short protein forms A1821fs, A1804fs, A1833fs, A1019fs, A1805fs, A1822fs.
Identifiers: ClinVar variation 567560 (VCV000567560.11), dbSNP rs1559101585, ClinGen allele CA891842561.

ClinVar aggregate classification (germline): Pathogenic (1 of 4 stars; one submission).

Conditions:
Early-infantile DEE. Also called: Ohtahara syndrome; Early infantile epileptic encephalopathy; Early infantile epileptic encephalopathy with suppression bursts. Identifiers: Orphanet 1934, MedGen C0393706, MONDO:0800491.

Submission:

Labcorp Genetics (formerly Invitae), Labcorp
Classification: Pathogenic for Early-infantile DEE. Last evaluated: 2020-10-01. Review status: criteria provided, single submitter. Criteria: Invitae Variant Classification Sherloc (09022015). Collection method: clinical testing. Allele origin: germline.
Comment: This sequence change results in a premature translational stop signal in the SCN1A gene (p.Ala1833Serfs*4). While this is not anticipated to result in nonsense mediated decay, it is expected to disrupt the last 177 amino acid(s) of the SCN1A protein. This variant is not present in population databases (ExAC no frequency). This variant has not been reported in the literature in individuals with SCN1A-related conditions. This variant disrupts the C-terminus of the SCN1A protein. Other variant(s) that disrupt this region (p.Lys1846Serfs*11, p.Arg1886*, p.Ala1919Leufs*13) have been determined to be pathogenic (PMID: 27465585, 11359211, 14504318, 21719429, 17054684, 18930999). This suggests that variants that disrupt this region of the protein are likely to be causative of disease. For these reasons, this variant has been classified as Pathogenic.

Literature cited by the submitters: PubMed 27465585; PubMed 11359211; PubMed 14504318; PubMed 21719429; PubMed 17054684; PubMed 18930999.